The following is an entry in ClinVar:

ClinVar aggregate classification (germline): Uncertain significance (1 of 4 stars; one submission).

gnomAD v4.1: 14 of 1,613,292 alleles (0.00087%); highest among the groups gnomAD compares: African/African-American, 0.019%; no homozygotes.

Submission:

Labcorp Genetics (formerly Invitae), Labcorp
Classification: Uncertain significance. Last evaluated: 2026-01-18. Review status: criteria provided, single submitter. Criteria: Invitae Variant Classification Sherloc (09022015). Collection method: clinical testing. Allele origin: germline.
Comment: This sequence change replaces arginine, which is basic and polar, with serine, which is neutral and polar, at codon 410 of the IL12RB2 protein (p.Arg410Ser). This variant is present in population databases (no rsID available, gnomAD 0.008%). This variant has not been reported in the literature in individuals affected with IL12RB2-related conditions. ClinVar contains an entry for this variant (Variation ID: 1399180). An algorithm developed to predict the effect of missense changes on protein structure and function (PolyPhen-2) suggests that this variant is likely to be tolerated. In summary, the available evidence is currently insufficient to determine the role of this variant in disease. Therefore, it has been classified as a Variant of Uncertain Significance.

NM_001374259.2(IL12RB2):c.1228C>A (p.Arg410Ser)

Gene: IL12RB2 (interleukin 12 receptor subunit beta 2; plus strand). Cytogenetic location: 1p31.3.
Variant type: single nucleotide variant.
Coding change: c.1228C>A on transcript NM_001374259.2 (MANE Select); coding-DNA position 1228, C replaced by A.
Protein change: p.Arg410Ser; replaces arginine 410 with serine.
Molecular consequence: missense variant. On other transcripts: non-coding transcript variant (2).
Genome position (GRCh38, 1-based): chr1:67,351,059, C>A. VCF-style: chr1-67351059-C-A. GRCh37 (hg19) VCF-style: chr1-67816742-C-A.
Other names: c.1228C>A, p.Arg410Ser (NM_001258214.1, NM_001258215.1, NM_001258216.1 and 2 more transcripts); short protein forms R410S.
Identifiers: ClinVar variation 1399180 (VCV001399180.6), dbSNP rs377267228, ClinGen allele CA23518906.
Genomic context (GRCh38, chr1:67,351,059, plus strand): 5'-ACCGGAAATTGGGCTGTGGCTGTGTCTGCAGCAAATTCAAAAGGCAGTTCTCTGCCCACT[C>A]GTATTAACATAATGAACCTGTGTGAGGCAGGTAAGTTCTAATTTTTCTTTAACATTGCCT-3'
Protein context (NP_001361188.1, residues 400-420): ANSKGSSLPT[Arg410Ser]INIMNLCEAG